The following is an entry in ClinVar:

NM_020831.6(MRTFA):c.1604C>T (p.Thr535Met)

Gene: MRTFA (myocardin related transcription factor A; minus strand). Cytogenetic location: 22q13.1.
Variant type: single nucleotide variant.
Coding change: c.1604C>T on transcript NM_020831.6 (MANE Select); coding-DNA position 1604, C replaced by T.
Protein change: p.Thr535Met; replaces threonine 535 with methionine.
Molecular consequence: missense variant.
Genome position (GRCh38, 1-based): chr22:40,419,134, G>A on the plus strand (C>T on the coding strand, the complement: MRTFA is on the minus strand). VCF-style: chr22-40419134-G-A. GRCh37 (hg19) VCF-style: chr22-40815138-G-A.
Other names: c.1304C>T, p.Thr435Met (NM_001282660.2); c.1454C>T, p.Thr485Met (NM_001282661.3); c.1604C>T, p.Thr535Met (NM_001282662.3); c.1409C>T, p.Thr470Met (NM_001318139.2); short protein forms T435M, T470M, T485M, T535M.
Identifiers: ClinVar variation 2472071 (VCV002472071.3), dbSNP rs1006923794, ClinGen allele CA324468402.

ClinVar aggregate classification (germline): Uncertain significance. Review status: criteria provided, multiple submitters, no conflicts (2 of 4 stars). 2 submissions from 2 submitters: Uncertain significance (2). Last evaluated 2025-08-17.

Allele frequency attached by ClinVar (database versions not stated): gnomAD 0.00001; TOPMed 0.00001.
gnomAD v4.1: 17 of 1,587,512 alleles (0.0011%); highest among the groups gnomAD compares: African/African-American, 0.0027%; no homozygotes.

Submissions (2):

Labcorp Genetics (formerly Invitae), Labcorp
Classification: Uncertain significance. Last evaluated: 2025-08-17. Review status: criteria provided, single submitter. Criteria: Invitae Variant Classification Sherloc (09022015). Collection method: clinical testing. Allele origin: germline.
Comment: This sequence change replaces threonine, which is neutral and polar, with methionine, which is neutral and non-polar, at codon 435 of the MKL1 protein (p.Thr435Met). The frequency data for this variant in the population databases is considered unreliable, as metrics indicate poor data quality at this position in the gnomAD database. This variant has not been reported in the literature in individuals affected with MKL1-related conditions. ClinVar contains an entry for this variant (Variation ID: 2472071). An algorithm developed to predict the effect of missense changes on protein structure and function (PolyPhen-2) suggests that this variant is likely to be disruptive. In summary, the available evidence is currently insufficient to determine the role of this variant in disease. Therefore, it has been classified as a Variant of Uncertain Significance.

Ambry Genetics
Classification: Uncertain significance. Last evaluated: 2023-03-02. Review status: criteria provided, single submitter. Criteria: Ambry Variant Classification Scheme 2023. Collection method: clinical testing. Allele origin: germline.